The following is an entry in ClinVar:

NM_058216.3(RAD51C):c.145+12T>G

Genes: RAD51C (RAD51 paralog C; plus strand), LOC130061310 (ATAC-STARR-seq lymphoblastoid active region 12491; plus strand). Cytogenetic location: 17q22.
Variant type: single nucleotide variant.
Coding change: c.145+12T>G on transcript NM_058216.3 (MANE Select); 12 bases into the intron after coding-DNA position 145, T replaced by G.
Molecular consequence: intron variant.
Genome position (GRCh38, 1-based): chr17:58,692,800, T>G. VCF-style: chr17-58692800-T-G. GRCh37 (hg19) VCF-style: chr17-56770161-T-G.
Other names: c.145+12T>G (NM_002876.4).
Identifiers: ClinVar variation 138870 (VCV000138870.34), dbSNP rs377297129, ClinGen allele CA293026.

ClinVar aggregate classification (germline): Conflicting classifications of pathogenicity. Review status: criteria provided, conflicting classifications (1 of 4 stars). 19 submissions from 17 submitters: Uncertain significance (2); Benign (1); Likely benign (7). 9 of the submissions do not count toward it. Last evaluated 2026-01-27.

Conditions:
Breast and/or ovarian cancer. Identifiers: MedGen CN221562.
Hereditary cancer-predisposing syndrome. Also called: Tumor predisposition; Hereditary Cancer Syndrome; Neoplastic Syndromes, Hereditary; Hereditary neoplastic syndrome. Identifiers: Orphanet 140162, MedGen C0027672, MeSH D009386, MONDO:0015356.
Fanconi anemia complementation group O. Also called: RAD51C-Related Fanconi Anemia. Identifiers: Orphanet 84, MedGen C3150653, MONDO:0013248, OMIM 613390.
Breast-ovarian cancer, familial, susceptibility to, 3. Also called: RAD51C-Related Breast/Ovarian Cancer. Identifiers: Orphanet 145, MedGen C3150659, MONDO:0013253, OMIM 613399.
Malignant tumor of breast. Also called: Malignant breast neoplasm; Cancer breast. Identifiers: MedGen C0006142, MONDO:0007254. Disease mechanism: loss of function.

Allele frequency attached by ClinVar (database versions not stated): ExAC 0.00013; gnomAD exomes 0.00015 and 0.00019; 1000 Genomes Project 30x 0.00016; 1000 Genomes Project 0.00020; TOPMed 0.00022; gnomAD 0.00023 and 0.00024; ESP Exome Variant Server 0.00031.
gnomAD v4.1: 321 of 1,614,170 alleles (0.02%); highest among the groups gnomAD compares: Non-Finnish European, 0.025%; no homozygotes.

Submissions (19):

Labcorp Genetics (formerly Invitae), Labcorp
Classification: Likely benign for Fanconi anemia complementation group O. Last evaluated: 2026-01-27. Review status: criteria provided, single submitter. Criteria: Invitae Variant Classification Sherloc (09022015). Collection method: clinical testing. Allele origin: germline.

Center for Genomic Medicine, Rigshospitalet, Copenhagen University Hospital
Classification: Likely benign. Last evaluated: 2025-03-04. Review status: criteria provided, single submitter. Criteria: ACMG Guidelines, 2015. Collection method: clinical testing. Allele origin: germline.

Blueprint Genetics
Classification: Likely benign. Last evaluated: 2024-11-06. Review status: criteria provided, single submitter. Criteria: ACMG Guidelines, 2015. Collection method: clinical testing. Allele origin: germline.

CHEO Genetics Diagnostic Laboratory, Children's Hospital of Eastern Ontario
Classification: Likely benign for Breast and/or ovarian cancer. Last evaluated: 2021-11-05. Review status: criteria provided, single submitter. Criteria: ACMG Guidelines, 2015. Collection method: clinical testing. Allele origin: germline.

Sema4
Classification: Likely benign for Hereditary cancer-predisposing syndrome. Last evaluated: 2020-11-25. Review status: criteria provided, single submitter. Criteria: Sema4 Curation Guidelines. Collection method: curation. Allele origin: germline.

Mendelics
Classification: Likely benign for Fanconi anemia complementation group O. Last evaluated: 2019-05-28. Review status: criteria provided, single submitter. Criteria: Mendelics Assertion Criteria 2017. Collection method: clinical testing. Allele origin: unknown.

Illumina Laboratory Services, Illumina
Classification: Uncertain significance for Fanconi anemia complementation group O. Last evaluated: 2017-04-27. Review status: criteria provided, single submitter. Criteria: ICSL Variant Classification Criteria 13 December 2019. Collection method: clinical testing. Allele origin: germline.

Illumina Laboratory Services, Illumina
Classification: Uncertain significance for Breast-ovarian cancer, familial, susceptibility to, 3. Last evaluated: 2017-04-27. Review status: criteria provided, single submitter. Criteria: ICSL Variant Classification Criteria 13 December 2019. Collection method: clinical testing. Allele origin: germline.
Comment: This variant was observed as part of a predisposition screen in an ostensibly healthy population. A literature search was performed for the gene, cDNA change, and amino acid change (where applicable). Publications were found based on this search. However, the evidence from the literature, in combination with allele frequency data from public databases where available, was not sufficient to rule this variant in or out of causing disease. Therefore, this variant is classified as a variant of unknown significance.

Color Diagnostics, LLC DBA Color Health
Classification: Likely benign for Hereditary cancer-predisposing syndrome. Last evaluated: 2015-09-03. Review status: criteria provided, single submitter. Criteria: ACMG Guidelines, 2015. Collection method: clinical testing. Allele origin: germline.

GeneDx
Classification: Benign. Last evaluated: 2014-02-26. Review status: criteria provided, single submitter. Criteria: GeneDx Variant Classification (06012015). Collection method: clinical testing. Allele origin: germline. Affected: yes.
Comment: This variant is considered likely benign or benign based on one or more of the following criteria: it is a conservative change, it occurs at a poorly conserved position in the protein, it is predicted to be benign by multiple in silico algorithms, and/or has population frequency not consistent with disease.

Counsyl
Classification: Likely benign for Fanconi anemia complementation group O. Last evaluated: 2016-10-25. Review status: no assertion criteria provided. Collection method: clinical testing. Allele origin: unknown. Not counted in ClinVar's aggregate classification.

Counsyl
Classification: Likely benign for Breast-ovarian cancer, familial, susceptibility to, 3. Last evaluated: 2016-10-25. Review status: no assertion criteria provided. Collection method: clinical testing. Allele origin: unknown. Not counted in ClinVar's aggregate classification.

Leiden Open Variation Database
Classification: Uncertain significance. Last evaluated: 2014-11-02. Review status: no assertion criteria provided. Collection method: curation. Allele origin: germline. Affected: yes. Not counted in ClinVar's aggregate classification.
Comment: Curator: Arleen D. Auerbach. Submitter to LOVD: Christine Rappaport.

Clinical Genetics DNA and cytogenetics Diagnostics Lab, Erasmus MC, Erasmus Medical Center
Classification: Likely benign. Review status: no assertion criteria provided. Collection method: clinical testing. Allele origin: germline. Affected: yes. Study: VKGL Data-share Consensus. Not counted in ClinVar's aggregate classification.

Clinical Genetics Laboratory, Department of Pathology, Netherlands Cancer Institute
Classification: Likely benign. Review status: no assertion criteria provided. Collection method: clinical testing. Allele origin: germline. Affected: yes. Study: VKGL Data-share Consensus. Not counted in ClinVar's aggregate classification.

Department of Pathology and Laboratory Medicine, Sinai Health System
Classification: Likely benign for Malignant tumor of breast. Review status: no assertion criteria provided. Collection method: clinical testing. Allele origin: unknown. Affected: yes. Observed: 1 variant allele. Study: The Canadian Open Genetics Repository (COGR). Not counted in ClinVar's aggregate classification.
Comment: The RAD51C c.145+12T>G variant was not identified in the literature or in Cosmic, MutDB, and LOVD 3.0 databases. The variant was identified in dbSNP (ID: rs377297129) â€šÃ„ÃºWith Likely benign alleleâ€šÃ„Ã¹, ClinVar (classified as benign by GeneDx and likely benign by Counsyl), Clinvitae (3x), and in control databases in 39 of 276870 chromosomes at a frequency of 0.0001 increasing the likelihood that this may be a low frequency benign variant in certain populations of origin (Genome Aggregation Consortium Feb 27, 2017); seen in the following populations: African in 1 of 24024 chromosomes (frequency: 0.00004), Latino in 1 of 34412 chromosomes (frequency: 0.00003), and European Non-Finnish in 37 of 126410 chromosomes (frequency: 0.0003). The variant occurs outside of the splicing consensus sequence and in silico or computational prediction software programs (SpliceSiteFinder, MaxEntScan, NNSPLICE, GeneSplicer, HumanSpliceFinder) do not predict a difference in splicing. In summary, based on the above information the clinical significance of this variant cannot be determined with certainty at this time although we would lean towards a more benign role for this variant. This variant is classified as likely benign.

Genome Diagnostics Laboratory, Amsterdam University Medical Center
Classification: Likely benign. Review status: no assertion criteria provided. Collection method: clinical testing. Allele origin: germline. Affected: yes. Study: VKGL Data-share Consensus. Not counted in ClinVar's aggregate classification.

Genome Diagnostics Laboratory, University Medical Center Utrecht
Classification: Likely benign. Review status: no assertion criteria provided. Collection method: clinical testing. Allele origin: germline. Affected: yes. Study: VKGL Data-share Consensus. Not counted in ClinVar's aggregate classification.

Joint Genome Diagnostic Labs from Nijmegen and Maastricht, Radboudumc and MUMC+
Classification: Likely benign. Review status: no assertion criteria provided. Collection method: clinical testing. Allele origin: germline. Affected: yes. Study: VKGL Data-share Consensus. Not counted in ClinVar's aggregate classification.

Literature cited by the submitters: PubMed 26740214 (cited by Sema4 and Illumina Laboratory Services, Illumina).